The following is an entry in ClinVar:

ClinVar aggregate classification (germline): Benign/Likely benign. Review status: criteria provided, multiple submitters, no conflicts (2 of 4 stars). 12 submissions from 10 submitters: Benign (8); Likely benign (2). 2 of the submissions do not count toward it. Last evaluated 2026-01-28.

Conditions:
Kidney disorder. Also called: renal disorder; Nephropathy; Kidney disease; Kidney Diseases; renal disease. Identifiers: MedGen C0022658, MONDO:0005240, HP:0000112.
Nephronophthisis. Also called: Juvenile Nephronophthisis. Identifiers: Orphanet 655, MedGen C0687120, MONDO:0019005, HP:0000090.
NPHP3-related Meckel-like syndrome. Also called: Meckel syndrome type 7; GOLDSTON SYNDROME. Identifiers: Orphanet 3032, MedGen C2673885, MONDO:0009966, OMIM 267010.
Renal-hepatic-pancreatic dysplasia 1 (RHPD1). Identifiers: MedGen C3715199, MONDO:0008833, OMIM 208540.
Nephronophthisis 3 (NPHP3). Also called: Adolescent nephronophthisis. Identifiers: Orphanet 655, MedGen C1858392, MONDO:0011456, OMIM 604387.

Allele frequency attached by ClinVar (database versions not stated): gnomAD exomes 0.00177 and 0.00338; ExAC 0.00395; gnomAD 0.00868 and 0.00906; ESP Exome Variant Server 0.00954; TOPMed 0.01015; 1000 Genomes Project 0.01318; 1000 Genomes Project 30x 0.01405.
gnomAD v4.1: 3,953 of 1,602,544 alleles (0.25%); highest among the groups gnomAD compares: African/African-American, 2.9%; 48 homozygotes.

Submissions (12):

Labcorp Genetics (formerly Invitae), Labcorp
Classification: Benign for Nephronophthisis. Last evaluated: 2026-01-28. Review status: criteria provided, single submitter. Criteria: Invitae Variant Classification Sherloc (09022015). Collection method: clinical testing. Allele origin: germline.

Mayo Clinic Laboratories, Mayo Clinic
Classification: Benign. Last evaluated: 2023-06-12. Review status: criteria provided, single submitter. Criteria: ACMG Guidelines, 2015. Collection method: clinical testing. Allele origin: germline. Observed: 11 variant alleles.
Comment: BS1, BS2, BP4, BP7

Genome Diagnostics Laboratory, The Hospital for Sick Children
Classification: Benign for Kidney disorder. Last evaluated: 2018-02-01. Review status: criteria provided, single submitter. Criteria: ACMG Guidelines, 2015. Collection method: clinical testing. Allele origin: germline.

Illumina Laboratory Services, Illumina
Classification: Benign for Renal-hepatic-pancreatic dysplasia 1. Last evaluated: 2018-01-12. Review status: criteria provided, single submitter. Criteria: ICSL Variant Classification Criteria 13 December 2019. Collection method: clinical testing. Allele origin: germline.
Comment: This variant was observed in the ICSL laboratory as part of a predisposition screen in an ostensibly healthy population. It had not been previously curated by ICSL or reported in the Human Gene Mutation Database (HGMD: prior to June 1st, 2018), and was therefore a candidate for classification through an automated scoring system. Utilizing variant allele frequency, disease prevalence and penetrance estimates, and inheritance mode, an automated score was calculated to assess if this variant is too frequent to cause the disease. Based on the score and internal cut-off values, a variant classified as benign is not then subjected to further curation. The score for this variant resulted in a classification of benign for this disease.

Illumina Laboratory Services, Illumina
Classification: Benign for Nephronophthisis 3. Last evaluated: 2018-01-12. Review status: criteria provided, single submitter. Criteria: ICSL Variant Classification Criteria 13 December 2019. Collection method: clinical testing. Allele origin: germline.
Comment: the same text as in the submission from Illumina Laboratory Services, Illumina above.

Illumina Laboratory Services, Illumina
Classification: Likely benign for NPHP3-related Meckel-like syndrome. Last evaluated: 2018-01-12. Review status: criteria provided, single submitter. Criteria: ICSL Variant Classification Criteria 13 December 2019. Collection method: clinical testing. Allele origin: germline.
Comment: This variant was observed in the ICSL laboratory as part of a predisposition screen in an ostensibly healthy population. It had not been previously curated by ICSL or reported in the Human Gene Mutation Database (HGMD: prior to June 1st, 2018), and was therefore a candidate for classification through an automated scoring system. Utilizing variant allele frequency, disease prevalence and penetrance estimates, and inheritance mode, an automated score was calculated to assess if this variant is too frequent to cause the disease. Based on the score and internal cut-off values, a variant classified as likely benign is not then subjected to further curation. The score for this variant resulted in a classification of likely benign for this disease.

GeneDx
Classification: Benign. Last evaluated: 2016-08-02. Review status: criteria provided, single submitter. Criteria: GeneDx Variant Classification (06012015). Collection method: clinical testing. Allele origin: germline. Affected: yes.
Comment: This variant is considered likely benign or benign based on one or more of the following criteria: it is a conservative change, it occurs at a poorly conserved position in the protein, it is predicted to be benign by multiple in silico algorithms, and/or has population frequency not consistent with disease.

Eurofins Ntd Llc (ga)
Classification: Benign. Last evaluated: 2014-04-29. Review status: criteria provided, single submitter. Criteria: EGL Classification Definitions 2015. Collection method: clinical testing. Allele origin: germline. Observed: 3 variant alleles, 3 heterozygotes.

Breakthrough Genomics
Classification: Likely benign. Review status: criteria provided, single submitter. Criteria: ACMG Guidelines, 2015. Collection method: not provided. Allele origin: germline. Inheritance: Autosomal recessive inheritance. Affected: yes.

PreventionGenetics, part of Exact Sciences
Classification: Benign. Review status: criteria provided, single submitter. Criteria: ACMG Guidelines, 2015. Collection method: clinical testing. Allele origin: germline.

Clinical Genetics DNA and cytogenetics Diagnostics Lab, Erasmus MC, Erasmus Medical Center
Classification: Benign. Review status: no assertion criteria provided. Collection method: clinical testing. Allele origin: germline. Affected: yes. Study: VKGL Data-share Consensus. Not counted in ClinVar's aggregate classification.

Genome Diagnostics Laboratory, University Medical Center Utrecht
Classification: Likely benign. Review status: no assertion criteria provided. Collection method: clinical testing. Allele origin: germline. Affected: yes. Study: VKGL Data-share Consensus. Not counted in ClinVar's aggregate classification.

NM_153240.5(NPHP3):c.450G>A (p.Ala150=)

Genes: NPHP3-ACAD11 (NPHP3-ACAD11 readthrough (NMD candidate); minus strand), NPHP3 (nephrocystin 3; minus strand). Cytogenetic location: 3q22.1.
Variant type: single nucleotide variant.
Coding change: c.450G>A on transcript NM_153240.5 (MANE Select); coding-DNA position 450, G replaced by A.
Protein change: p.Ala150=; no amino-acid change (alanine 150 retained).
Molecular consequence: synonymous variant. On other transcripts: non-coding transcript variant (1).
Genome position (GRCh38, 1-based): chr3:132,719,774, C>T on the plus strand (G>A on the coding strand, the complement: NPHP3 is on the minus strand). VCF-style: chr3-132719774-C-T. GRCh37 (hg19) VCF-style: chr3-132438618-C-T.
Other names: p.Ala150=.
Identifiers: ClinVar variation 167380 (VCV000167380.27), dbSNP rs78527322, ClinGen allele CA180242.